The following is an entry in ClinVar:

ClinVar aggregate classification (germline): Pathogenic (1 of 4 stars; one submission).

Conditions:
Hereditary cancer-predisposing syndrome. Also called: Neoplastic Syndromes, Hereditary; Tumor predisposition; Hereditary neoplastic syndrome; Hereditary Cancer Syndrome. Identifiers: Orphanet 140162, MedGen C0027672, MeSH D009386, MONDO:0015356.

Submission:

Ambry Genetics
Classification: Pathogenic for Hereditary cancer-predisposing syndrome. Last evaluated: 2023-10-28. Review status: criteria provided, single submitter. Criteria: Ambry Variant Classification Scheme 2023. Collection method: clinical testing. Allele origin: germline.
Comment: The c.831dupG pathogenic mutation, located in coding exon 6 of the CHEK2 gene, results from a duplication of G at nucleotide position 831, causing a translational frameshift with a predicted alternate stop codon (p.K278Efs*12). This variant is considered to be rare based on population cohorts in the Genome Aggregation Database (gnomAD). This alteration is expected to result in loss of function by premature protein truncation or nonsense-mediated mRNA decay. As such, this alteration is interpreted as a disease-causing mutation.

NM_007194.4(CHEK2):c.831dup (p.Lys278fs)

Gene: CHEK2 (checkpoint kinase 2; minus strand). Cytogenetic location: 22q12.1.
Variant type: Duplication.
Coding change: c.831dup on transcript NM_007194.4 (MANE Select); coding-DNA position 831, one base duplicated (G; older notation c.831dupG).
Protein change: p.Lys278fs; shifts the reading frame from lysine 278.
Molecular consequence: frameshift variant.
Genome position (GRCh38, 1-based): chr22:28,710,021, C duplicated on the plus strand (G on the coding strand, the reverse complement: CHEK2 is on the minus strand). VCF-style (leftmost placement, unchanged base first): chr22-28710020-T-TC. GRCh37 (hg19) VCF-style: chr22-29106008-T-TC.
Other names: c.960dup, p.Lys321Glufs (NM_001005735.3); c.168dup, p.Lys57Glufs (NM_001257387.3); c.630dup, p.Lys211Glufs (NM_001349956.3); c.831dup, p.Lys278Glufs (NM_145862.3); short protein forms K211fs, K278fs, K321fs, K57fs.
Identifiers: ClinVar variation 3226042 (VCV003226042.1), dbSNP rs2517942775, ClinGen allele CA2825002875.